The following is an entry in ClinVar:

NM_012144.4(DNAI1):c.1813G>A (p.Gly605Arg)

Gene: DNAI1 (dynein axonemal intermediate chain 1; plus strand). Cytogenetic location: 9p13.3.
Variant type: single nucleotide variant.
Coding change: c.1813G>A on transcript NM_012144.4 (MANE Select); coding-DNA position 1813, G replaced by A.
Protein change: p.Gly605Arg; replaces glycine 605 with arginine.
Molecular consequence: missense variant.
Genome position (GRCh38, 1-based): chr9:34,514,734, G>A. VCF-style: chr9-34514734-G-A. GRCh37 (hg19) VCF-style: chr9-34514732-G-A.
Other names: c.1825G>A, p.Gly609Arg (NM_001281428.2); c.1813G>A (NM_012144.2); short protein forms G605R, G609R.
Identifiers: ClinVar variation 2418761 (VCV002418761.12), dbSNP rs145255472, ClinGen allele CA5034542.

ClinVar aggregate classification (germline): Uncertain significance. Review status: criteria provided, multiple submitters, no conflicts (2 of 4 stars). 2 submissions from 2 submitters: Uncertain significance (2). Last evaluated 2025-07-02.

Conditions:
Primary ciliary dyskinesia. Also called: Ciliary dyskinesia. Identifiers: Orphanet 244, MedGen C0008780, MONDO:0016575, HP:0012265.

Allele frequency attached by ClinVar (database versions not stated): gnomAD exomes 0.00001; ExAC 0.00006; gnomAD 0.00021; TOPMed 0.00023; ESP Exome Variant Server 0.00038.
gnomAD v4.1: 50 of 1,613,802 alleles (0.0031%); highest among the groups gnomAD compares: African/African-American, 0.057%; no homozygotes.

Submissions (2):

Ambry Genetics
Classification: Uncertain significance for Primary ciliary dyskinesia. Last evaluated: 2025-07-02. Review status: criteria provided, single submitter. Criteria: Ambry Variant Classification Scheme 2023. Collection method: clinical testing. Allele origin: germline.

Labcorp Genetics (formerly Invitae), Labcorp
Classification: Uncertain significance for Primary ciliary dyskinesia. Last evaluated: 2022-05-30. Review status: criteria provided, single submitter. Criteria: Invitae Variant Classification Sherloc (09022015). Collection method: clinical testing. Allele origin: germline.
Comment: This sequence change replaces glycine, which is neutral and non-polar, with arginine, which is basic and polar, at codon 605 of the DNAI1 protein (p.Gly605Arg). This variant is present in population databases (rs145255472, gnomAD 0.07%). This variant has not been reported in the literature in individuals affected with DNAI1-related conditions. Algorithms developed to predict the effect of missense changes on protein structure and function are either unavailable or do not agree on the potential impact of this missense change (SIFT: "Tolerated"; PolyPhen-2: "Probably Damaging"; Align-GVGD: "Class C0"). In summary, the available evidence is currently insufficient to determine the role of this variant in disease. Therefore, it has been classified as a Variant of Uncertain Significance.